The following is an entry in ClinVar:

ClinVar aggregate classification (germline): Likely benign (1 of 4 stars; one submission).

Conditions:
SH2B1-related disorder. Also called: SH2B1-related condition.

Submission:

PreventionGenetics, part of Exact Sciences
Classification: Likely benign for SH2B1-related condition. Last evaluated: 2026-06-16. Review status: criteria provided, single submitter. Criteria: ACMG Guidelines, 2015. Collection method: clinical testing. Allele origin: germline.
Comment: This variant is classified as likely benign based on ACMG/AMP sequence variant interpretation guidelines (Richards et al. 2015 PMID: 25741868, with internal and published modifications).

NM_001387430.1(SH2B1):c.1419C>T (p.Pro473=)

Gene: SH2B1 (SH2B adaptor protein 1; plus strand). Cytogenetic location: 16p11.2.
Variant type: single nucleotide variant.
Coding change: c.1419C>T on transcript NM_001387430.1 (MANE Select); coding-DNA position 1419, C replaced by T.
Protein change: p.Pro473=; no amino-acid change (proline 473 retained).
Molecular consequence: synonymous variant.
Genome position (GRCh38, 1-based): chr16:28,871,889, C>T. VCF-style: chr16-28871889-C-T. GRCh37 (hg19) VCF-style: chr16-28883210-C-T.
Other names: c.1419C>T, p.Pro473= (NM_001145795.2, NM_001145796.2, NM_001145797.2 and 4 more transcripts); c.411C>T, p.Pro137= (NM_001308294.2).
Identifiers: ClinVar variation 4989665 (VCV004989665.1).